The following is an entry in ClinVar:

ClinVar aggregate classification (germline): not provided. Review status: no classification provided (0 of 4 stars). 2 submissions from 1 submitter: not provided (2).

Conditions:
Normal pregnancy. Identifiers: MedGen C0232989.
Small for gestational age. Also called: Low birth weight. Identifiers: MedGen C0235991, HP:0001518.

Submissions (2):

Institute of Molecular and Cell Biology, University of Tartu
No classification provided. Condition: Normal pregnancy. Review status: no classification provided. Collection method: case-control. Allele origin: unknown. Affected: yes. Study: Kasak2014.
Comment: The study aimed to determine the contribution of copy number variants in the genetic etiology of normal and complicated pregnancies. The samples represented (i) maternal blood DNA drawn from healthy pregnant women during 1st or 2nd trimester and (ii) maternal and paternal blood DNA drawn at term pregnancy cases representing normal and complicated gestations (severe preeclampsia, PE; gestational diabetes, GD; small-for-gestational age newborn, SGA; large-for-gestational age newborn, LGA). We performed CNV calling based on genome-wide genotyping dataset (Illumina HumanOmniExpress-24-v1 BeadChip) by applying three algorithms, QuantiSNP, GADA (Genome Alteration Detection Algorithm) and CNstream in parallel. The acquired CNV calls were merged with HD-CNV (Hotspot Detector for Copy Number Variants) program and only the CNVs predicted by at least two programs, were considered in subsequent analysis.

Institute of Molecular and Cell Biology, University of Tartu
No classification provided. Condition: Small for gestational age. Review status: no classification provided. Collection method: case-control. Allele origin: unknown. Affected: yes. Study: Kasak2014.
Comment: the same text as in the submission from Institute of Molecular and Cell Biology, University of Tartu above.

Literature cited by the submitters: PubMed 25666259.

Single allele

Gene: KIF26B (kinesin family member 26B; plus strand). Cytogenetic location: 1q44.
Variant type: Deletion.
Identifiers: ClinVar variation 156773 (VCV000156773.2).